The following is an entry in ClinVar:

NM_003690.5(PRKRA):c.85G>A (p.Ala29Thr)

Gene: PRKRA (protein activator of interferon induced protein kinase EIF2AK2; minus strand). Cytogenetic location: 2q31.2.
Variant type: single nucleotide variant.
Coding change: c.85G>A on transcript NM_003690.5 (MANE Select); coding-DNA position 85, G replaced by A.
Protein change: p.Ala29Thr; replaces alanine 29 with threonine.
Molecular consequence: missense variant. On other transcripts: 5 prime UTR variant (1).
Genome position (GRCh38, 1-based): chr2:178,450,392, C>T on the plus strand (G>A on the coding strand, the complement: PRKRA is on the minus strand). VCF-style: chr2-178450392-C-T. GRCh37 (hg19) VCF-style: chr2-179315119-C-T.
Other names: c.52G>A, p.Ala18Thr (NM_001139517.2); c.10G>A, p.Ala4Thr (NM_001139518.2); c.-365G>A (NM_001316362.2); short protein forms A29T, A18T, A4T.
Identifiers: ClinVar variation 1046159 (VCV001046159.8), dbSNP rs1293335092, ClinGen allele CA349396356.

ClinVar aggregate classification (germline): Uncertain significance. Review status: criteria provided, multiple submitters, no conflicts (2 of 4 stars). 2 submissions from 2 submitters: Uncertain significance (2). Last evaluated 2021-08-30.

Conditions:
Inborn genetic diseases. Identifiers: MedGen C0950123, MeSH D030342.
Dystonia 16 (DYT16). Also called: DYT-PRKRA. Identifiers: Orphanet 210571, MedGen C2677567, MONDO:0012789, OMIM 612067.

Allele frequency attached by ClinVar (database versions not stated): gnomAD exomes below 0.00001; TOPMed 0.00003; gnomAD 0.00003.
gnomAD v4.1: 5 of 1,614,156 alleles (0.00031%); highest among the groups gnomAD compares: African/African-American, 0.0067%; no homozygotes.

Submissions (2):

Labcorp Genetics (formerly Invitae), Labcorp
Classification: Uncertain significance for Dystonia 16. Last evaluated: 2021-08-30. Review status: criteria provided, single submitter. Criteria: Invitae Variant Classification Sherloc (09022015). Collection method: clinical testing. Allele origin: germline.
Comment: This sequence change replaces alanine with threonine at codon 29 of the PRKRA protein (p.Ala29Thr). The alanine residue is moderately conserved and there is a small physicochemical difference between alanine and threonine. This variant is not present in population databases (ExAC no frequency). This variant has not been reported in the literature in individuals affected with PRKRA-related conditions. Algorithms developed to predict the effect of missense changes on protein structure and function (SIFT, PolyPhen-2, Align-GVGD) all suggest that this variant is likely to be tolerated. In summary, the available evidence is currently insufficient to determine the role of this variant in disease. Therefore, it has been classified as a Variant of Uncertain Significance.

Ambry Genetics
Classification: Uncertain significance for Inborn genetic diseases. Last evaluated: 2021-01-06. Review status: criteria provided, single submitter. Criteria: Ambry Variant Classification Scheme 2023. Collection method: clinical testing. Allele origin: germline.
Comment: The c.85G>A (p.A29T) alteration is located in exon 2 (coding exon 2) of the PRKRA gene. This alteration results from a G to A substitution at nucleotide position 85, causing the alanine (A) at amino acid position 29 to be replaced by a threonine (T). The p.A29T alteration is predicted to be tolerated by in silico analysis. Based on insufficient or conflicting evidence, the clinical significance of this alteration remains unclear.